The following is an entry in ClinVar:

ClinVar aggregate classification (germline): Uncertain significance (1 of 4 stars; one submission).

Conditions:
Tietz syndrome (TADS). Also called: HYPOPIGMENTATION/DEAFNESS OF TIETZ; TIETZ ALBINISM-DEAFNESS SYNDROME; ALBINISM-DEAFNESS OF TIETZ. Identifiers: Orphanet 42665, MedGen C0391816, MONDO:0007077, OMIM 103500.
Waardenburg syndrome type 2A (WS2A). Also called: WAARDENBURG SYNDROME WITHOUT DYSTOPIA CANTHORUM. Identifiers: Orphanet 3440, MedGen C1860339, MONDO:0008671, OMIM 193510.
Melanoma, cutaneous malignant, susceptibility to, 8. Also called: MELANOMA AND RENAL CELL CARCINOMA, SUSCEPTIBILITY TO; Cutaneous malignant melanoma 8. Identifiers: Orphanet 293822, MedGen C3152204, MONDO:0013759, OMIM 614456.

gnomAD v4.1: 1 of 1,613,710 alleles (0.000062%); highest among the groups gnomAD compares: East Asian, 0.0022%; no homozygotes.

Submission:

Labcorp Genetics (formerly Invitae), Labcorp
Classification: Uncertain significance for Melanoma, cutaneous malignant, susceptibility to, 8; Waardenburg syndrome type 2A; Tietz syndrome. Last evaluated: 2024-06-10. Review status: criteria provided, single submitter. Criteria: Invitae Variant Classification Sherloc (09022015). Collection method: clinical testing. Allele origin: germline.
Comment: This sequence change replaces serine, which is neutral and polar, with cysteine, which is neutral and slightly polar, at codon 173 of the MITF protein (p.Ser173Cys). This variant is not present in population databases (gnomAD no frequency). This variant has not been reported in the literature in individuals affected with MITF-related conditions. Advanced modeling of protein sequence and biophysical properties (such as structural, functional, and spatial information, amino acid conservation, physicochemical variation, residue mobility, and thermodynamic stability) performed at Invitae indicates that this missense variant is expected to disrupt MITF protein function with a positive predictive value of 80%. In summary, the available evidence is currently insufficient to determine the role of this variant in disease. Therefore, it has been classified as a Variant of Uncertain Significance.

NM_001354604.2(MITF):c.839C>G (p.Ser280Cys)

Gene: MITF (melanocyte inducing transcription factor; plus strand). Cytogenetic location: 3p13.
Variant type: single nucleotide variant.
Coding change: c.839C>G on transcript NM_001354604.2 (MANE Select); coding-DNA position 839, C replaced by G.
Protein change: p.Ser280Cys; replaces serine 280 with cysteine.
Molecular consequence: missense variant.
Genome position (GRCh38, 1-based): chr3:69,949,127, C>G. VCF-style: chr3-69949127-C-G. GRCh37 (hg19) VCF-style: chr3-69998278-C-G.
Other names: c.683C>G, p.Ser228Cys (NM_001354608.2, NM_001184967.2); c.836C>G, p.Ser279Cys (NM_006722.3, NM_001354605.2, NM_001354606.2); c.518C>G, p.Ser173Cys (NM_198158.3, NM_000248.4); c.839C>G, p.Ser280Cys (NM_198159.3); c.791C>G, p.Ser264Cys (NM_198177.3); c.350C>G, p.Ser117Cys (NM_198178.3); c.788C>G, p.Ser263Cys (NM_001354607.2); short protein forms S117C, S173C, S228C, S263C, S264C, S279C, S280C.
Identifiers: ClinVar variation 3756753 (VCV003756753.2).
Genomic context (GRCh38, chr3:69,949,127, plus strand): 5'-ACTTGATTGATCTTTATGGAAACCAAGGTCTGCCCCCACCAGGCCTCACCATCAGCAACT[C>G]CTGTCCAGCCAACCTTCCCAACATAAAAAGGGAGCTCACAGGTAAACACCTAGTAAATGT-3'
Protein context (NP_001341533.1, residues 270-290): LPPPGLTISN[Ser280Cys]CPANLPNIKR